The following is an entry in ClinVar:

ClinVar aggregate classification (germline): Likely benign. Review status: criteria provided, single submitter (1 of 4 stars). 2 submissions from 2 submitters: Likely benign (1). 1 of the submissions does not count toward it. Last evaluated 2021-03-23.

Conditions:
Hypertrophic cardiomyopathy 14. Identifiers: MedGen C2750467, MONDO:0013197, OMIM 613251.
MYH6-related disorder. Also called: MYH6-Related Disorders; MYH6-related condition.

Allele frequency attached by ClinVar (database versions not stated): TOPMed below 0.00001; gnomAD 0.00001; ESP Exome Variant Server 0.00008.
gnomAD v4.1: 1 of 1,555,070 alleles (0.000064%); highest among the groups gnomAD compares: African/African-American, 0.0015%; no homozygotes.

Submissions (2):

Labcorp Genetics (formerly Invitae), Labcorp
Classification: Likely benign for Hypertrophic cardiomyopathy 14. Last evaluated: 2021-03-23. Review status: criteria provided, single submitter. Criteria: Invitae Variant Classification Sherloc (09022015). Collection method: clinical testing. Allele origin: germline.

PreventionGenetics, part of Exact Sciences
Classification: Likely benign for MYH6-related condition. Last evaluated: 2019-09-04. Review status: no assertion criteria provided. Collection method: clinical testing. Allele origin: germline. Not counted in ClinVar's aggregate classification.
Comment: This variant is classified as likely benign based on ACMG/AMP sequence variant interpretation guidelines (Richards et al. 2015 PMID: 25741868, with internal and published modifications).

NM_002471.4(MYH6):c.5623C>T (p.Leu1875=)

Gene: MYH6 (myosin heavy chain 6; minus strand). Cytogenetic location: 14q11.2.
Variant type: single nucleotide variant.
Coding change: c.5623C>T on transcript NM_002471.4 (MANE Select); coding-DNA position 5623, C replaced by T.
Protein change: p.Leu1875=; no amino-acid change (leucine 1875 retained).
Molecular consequence: synonymous variant.
Genome position (GRCh38, 1-based): chr14:23,383,263, G>A on the plus strand (C>T on the coding strand, the complement: MYH6 is on the minus strand). VCF-style: chr14-23383263-G-A. GRCh37 (hg19) VCF-style: chr14-23852472-G-A.
Other names: c.5623C>T (NM_002471.3).
Identifiers: ClinVar variation 1572660 (VCV001572660.10), dbSNP rs368604132, ClinGen allele CA257775540.